The following is an entry in ClinVar:

NM_000399.5(EGR2):c.1199G>C (p.Cys400Ser)

Gene: EGR2 (early growth response 2; minus strand). Cytogenetic location: 10q21.3.
Variant type: single nucleotide variant.
Coding change: c.1199G>C on transcript NM_000399.5 (MANE Select); coding-DNA position 1199, G replaced by C.
Protein change: p.Cys400Ser; replaces cysteine 400 with serine.
Molecular consequence: missense variant.
Genome position (GRCh38, 1-based): chr10:62,813,439, C>G on the plus strand (G>C on the coding strand, the complement: EGR2 is on the minus strand). VCF-style: chr10-62813439-C-G. GRCh37 (hg19) VCF-style: chr10-64573199-C-G.
Other names: c.1199G>C, p.Cys400Ser (NM_001136177.3, NM_001136178.2); c.1049G>C, p.Cys350Ser (NM_001136179.3, NM_001321037.2); short protein forms C400S, C350S.
Identifiers: ClinVar variation 569402 (VCV000569402.8), dbSNP rs1564705972, ClinGen allele CA377027376.

ClinVar aggregate classification (germline): Uncertain significance (1 of 4 stars; one submission).

Conditions:
Charcot-Marie-Tooth disease, type I (CMT1). Also called: Charcot-Marie-Tooth, Type 1; Charcot-Marie-Tooth disease type 1. Identifiers: Orphanet 65753, MedGen C0751036, MONDO:0019011.

Submission:

Labcorp Genetics (formerly Invitae), Labcorp
Classification: Uncertain significance for Charcot-Marie-Tooth disease, type I. Last evaluated: 2018-03-23. Review status: criteria provided, single submitter. Criteria: Invitae Variant Classification Sherloc (09022015). Collection method: clinical testing. Allele origin: germline.
Comment: This sequence change replaces cysteine with serine at codon 400 of the EGR2 protein (p.Cys400Ser). The cysteine residue is highly conserved and there is a moderate physicochemical difference between cysteine and serine. This variant is not present in population databases (ExAC no frequency). This variant has not been reported in the literature in individuals with EGR2-related disease. Algorithms developed to predict the effect of missense changes on protein structure and function do not agree on the potential impact of this missense change (SIFT: "Deleterious"; PolyPhen-2: "Possibly Damaging"; Align-GVGD: "Class C0"). In summary, the available evidence is currently insufficient to determine the role of this variant in disease. Therefore, it has been classified as a Variant of Uncertain Significance.